The following is an entry in ClinVar:

NM_144670.6(A2ML1):c.1080+4T>C

Gene: A2ML1 (alpha-2-macroglobulin like 1; plus strand). Cytogenetic location: 12p13.31.
Variant type: single nucleotide variant.
Coding change: c.1080+4T>C on transcript NM_144670.6 (MANE Select); 4 bases into the intron after coding-DNA position 1080, T replaced by C.
Molecular consequence: intron variant.
Genome position (GRCh38, 1-based): chr12:8,839,226, T>C. VCF-style: chr12-8839226-T-C. GRCh37 (hg19) VCF-style: chr12-8991822-T-C.
Identifiers: ClinVar variation 3708478 (VCV003708478.2).
Genomic context (GRCh38, chr12:8,839,226, plus strand): 5'-ATGACCTTTGAAGACACCAGCAATTTTTACCATCCAAATTTCCCCTTCAGTGGGAAGGTA[T>C]GTTAAAACTTTTCTCTGCATAGACAAAAAAATGCATAACCATCTACTTTGCCTCCTTCCT-3'

ClinVar aggregate classification (germline): Uncertain significance (1 of 4 stars; one submission).

Submission:

Labcorp Genetics (formerly Invitae), Labcorp
Classification: Uncertain significance. Last evaluated: 2024-07-03. Review status: criteria provided, single submitter. Criteria: Invitae Variant Classification Sherloc (09022015). Collection method: clinical testing. Allele origin: germline.
Comment: This sequence change falls in intron 10 of the A2ML1 gene. It does not directly change the encoded amino acid sequence of the A2ML1 protein. It affects a nucleotide within the consensus splice site. This variant is not present in population databases (gnomAD no frequency). This variant has not been reported in the literature in individuals affected with A2ML1-related conditions. Variants that disrupt the consensus splice site are a relatively common cause of aberrant splicing (PMID: 17576681, 9536098). Algorithms developed to predict the effect of sequence changes on RNA splicing suggest that this variant is not likely to affect RNA splicing. In summary, the available evidence is currently insufficient to determine the role of this variant in disease. Therefore, it has been classified as a Variant of Uncertain Significance.

Literature cited by the submitters: PubMed 17576681; PubMed 9536098.